The following is an entry in ClinVar:

NM_001103.4(ACTN2):c.556C>T (p.Leu186Phe)

Gene: ACTN2 (actinin alpha 2; plus strand). Cytogenetic location: 1q43.
Variant type: single nucleotide variant.
Coding change: c.556C>T on transcript NM_001103.4 (MANE Select); coding-DNA position 556, C replaced by T.
Protein change: p.Leu186Phe; replaces leucine 186 with phenylalanine.
Molecular consequence: missense variant. On other transcripts: 5 prime UTR variant (1).
Genome position (GRCh38, 1-based): chr1:236,727,697, C>T. VCF-style: chr1-236727697-C-T. GRCh37 (hg19) VCF-style: chr1-236890997-C-T.
Other names: p.Leu186Phe; c.556C>T, p.Leu186Phe (NM_001278343.2); c.-266C>T (NM_001278344.2); short protein forms L186F.
Identifiers: ClinVar variation 238302 (VCV000238302.33), dbSNP rs371930065, ClinGen allele CA1472834.

ClinVar aggregate classification (germline): Conflicting classifications of pathogenicity. Review status: criteria provided, conflicting classifications (1 of 4 stars). 10 submissions from 10 submitters: Uncertain significance (7); Likely benign (3). Last evaluated 2026-08-05.

Conditions:
Cardiovascular phenotype. Identifiers: MedGen CN230736.
Primary familial hypertrophic cardiomyopathy (HCM). Identifiers: Orphanet 99739, MedGen C0949658, MeSH D024741, MONDO:0024573. Inheritance: Various modes of inheritance.
Dilated cardiomyopathy 1AA (CMD1AA). Also called: Cardiomyopathy, dilated, 1AA, with or without LVNC; CARDIOMYOPATHY, DILATED, 1AA, WITH OR WITHOUT LEFT VENTRICULAR NONCOMPACTION; CARDIOMYOPATHY, FAMILIAL HYPERTROPHIC, 23, WITH OR WITHOUT LEFT VENTRICULAR NONCOMPACTION. Identifiers: Orphanet 154, MedGen C2677338, MONDO:0012808, OMIM 612158.
Cardiomyopathy (CMYO). Also called: Cardiomyopathies. Identifiers: Orphanet 167848, MedGen C0878544, MONDO:0004994, HP:0001638. Inheritance: Various modes of inheritance.
Long QT syndrome (LQTS). Identifiers: MedGen C0023976, MeSH D008133, MONDO:0002442. Disease mechanism: loss of function. Inheritance: Various modes of inheritance.

Allele frequency attached by ClinVar (database versions not stated): gnomAD 0.00003; TOPMed 0.00006; ESP Exome Variant Server 0.00008.
gnomAD v4.1: 320 of 1,614,002 alleles (0.02%); highest among the groups gnomAD compares: Non-Finnish European, 0.026%; no homozygotes.

Submissions (10):

GeneDx
Classification: Uncertain significance. Last evaluated: 2026-08-05. Review status: criteria provided, single submitter. Criteria: GeneDx Variant Classification Process June 2021. Collection method: clinical testing. Allele origin: germline.
Comment: In silico analysis suggests that this missense variant does not alter protein structure/function; Identified in patients with cardiomyopathy referred for genetic testing at GeneDx and in published literature (PMID: 27532257); This variant is associated with the following publications: (PMID: 27532257)

Labcorp Genetics (formerly Invitae), Labcorp
Classification: Uncertain significance for Primary familial hypertrophic cardiomyopathy; Dilated cardiomyopathy 1AA. Last evaluated: 2026-01-24. Review status: criteria provided, single submitter. Criteria: Invitae Variant Classification Sherloc (09022015). Collection method: clinical testing. Allele origin: germline.
Comment: This sequence change replaces leucine, which is neutral and non-polar, with phenylalanine, which is neutral and non-polar, at codon 186 of the ACTN2 protein (p.Leu186Phe). This variant is present in population databases (rs371930065, gnomAD 0.01%), and has an allele count higher than expected for a pathogenic variant. This missense change has been observed in individual(s) with dilated cardiomyopathy (PMID: 27532257). ClinVar contains an entry for this variant (Variation ID: 238302). An algorithm developed to predict the effect of missense changes on protein structure and function (PolyPhen-2) suggests that this variant is likely to be tolerated. In summary, the available evidence is currently insufficient to determine the role of this variant in disease. Therefore, it has been classified as a Variant of Uncertain Significance.

Ambry Genetics
Classification: Uncertain significance for Cardiovascular phenotype. Last evaluated: 2025-09-29. Review status: criteria provided, single submitter. Criteria: Ambry Variant Classification Scheme 2023. Collection method: clinical testing. Allele origin: germline.
Comment: The p.L186F variant (also known as c.556C>T), located in coding exon 6 of the ACTN2 gene, results from a C to T substitution at nucleotide position 556. The leucine at codon 186 is replaced by phenylalanine, an amino acid with highly similar properties. This variant was reported in individual(s) with features consistent with cardiomyopathies (Walsh R et al. Genet. Med., 2017 Feb;19:192-203; Ambry internal data). This amino acid position is well conserved in available vertebrate species. In addition, the in silico prediction for this alteration is inconclusive. Based on the available evidence, the clinical significance of this variant remains unclear.

Mayo Clinic Laboratories, Mayo Clinic
Classification: Likely benign. Last evaluated: 2025-05-10. Review status: criteria provided, single submitter. Criteria: ACMG Guidelines, 2015. Collection method: clinical testing. Allele origin: germline. Observed: 3 variant alleles.

Blueprint Genetics
Classification: Likely benign. Last evaluated: 2024-10-15. Review status: criteria provided, single submitter. Criteria: ACMG Guidelines, 2015. Collection method: clinical testing. Allele origin: germline.

Revvity Omics, Revvity
Classification: Uncertain significance. Last evaluated: 2021-12-08. Review status: criteria provided, single submitter. Criteria: ACMG Guidelines, 2015. Collection method: clinical testing. Allele origin: germline.

CHEO Genetics Diagnostic Laboratory, Children's Hospital of Eastern Ontario
Classification: Uncertain significance for Cardiomyopathy. Last evaluated: 2020-11-02. Review status: criteria provided, single submitter. Criteria: ACMG Guidelines, 2015. Collection method: clinical testing. Allele origin: germline. Study: Canadian Open Genetics Repository.

Illumina Laboratory Services, Illumina
Classification: Uncertain significance for Dilated cardiomyopathy 1AA. Last evaluated: 2018-01-12. Review status: criteria provided, single submitter. Criteria: ICSL Variant Classification Criteria 13 December 2019. Collection method: clinical testing. Allele origin: germline.

Center for Advanced Laboratory Medicine, UC San Diego Health, University of California San Diego
Classification: Likely benign for Long QT Syndrome. Last evaluated: 2017-10-25. Review status: criteria provided, single submitter. Criteria: ACMG Guidelines, 2015. Collection method: clinical testing. Allele origin: germline. Affected: yes. Observed: 1 variant allele.

Stanford Center for Inherited Cardiovascular Disease, Stanford University
Classification: Uncertain significance. Last evaluated: 2016-03-01. Review status: criteria provided, single submitter. Criteria: ACMG Guidelines, 2015. Collection method: provider interpretation. Allele origin: germline.

Literature cited by the submitters: PubMed 27532257 (cited by 3 submitters); PubMed 29247119 (cited by Ambry Genetics).